The following is an entry in ClinVar:

ClinVar aggregate classification (germline): Uncertain significance (1 of 4 stars; one submission).

Conditions:
Severe myoclonic epilepsy in infancy (DRVT). Also called: Dravet syndrome; SEVERE MYOCLONIC EPILEPSY OF INFANCY; DEVELOPMENTAL AND EPILEPTIC ENCEPHALOPATHY 6A; Severe Myoclonic Epilepsy in Infancy (SMEI); Epileptic encephalopathy, early infantile, 6 (Dravet syndrome). Identifiers: Orphanet 33069, MedGen C0751122, MONDO:0100135, OMIM 607208.

Submission:

Labcorp Genetics (formerly Invitae), Labcorp
Classification: Uncertain significance for Severe myoclonic epilepsy in infancy. Last evaluated: 2022-06-29. Review status: criteria provided, single submitter. Criteria: Invitae Variant Classification Sherloc (09022015). Collection method: clinical testing. Allele origin: germline.
Comment: This variant, c.106_120del, results in the deletion of 5 amino acid(s) of the SNX27 protein (p.Gly36_Gly40del), but otherwise preserves the integrity of the reading frame. This variant is not present in population databases (gnomAD no frequency). This variant has not been reported in the literature in individuals affected with SNX27-related conditions. ClinVar contains an entry for this variant (Variation ID: 853884). Experimental studies and prediction algorithms are not available or were not evaluated, and the functional significance of this variant is currently unknown. In summary, the available evidence is currently insufficient to determine the role of this variant in disease. Therefore, it has been classified as a Variant of Uncertain Significance.

NM_001330723.2(SNX27):c.106_120del (p.Gly36_Gly40del)

Genes: SNX27 (sorting nexin 27; plus strand), LOC129931442 (ATAC-STARR-seq lymphoblastoid silent region 1324; plus strand). Cytogenetic location: 1q21.3.
Variant type: Deletion.
Coding change: c.106_120del on transcript NM_001330723.2 (MANE Select); coding-DNA positions 106 to 120, 15 bases deleted (GGGGGAGGCGGCGGC).
Protein change: p.Gly36_Gly40del.
Molecular consequence: inframe deletion.
Genome position (GRCh38, 1-based): chr1:151,612,307-151,612,321, GGGGGAGGCGGCGGC deleted; deleting any 15 consecutive bases within chr1:151,612,300-151,612,321 gives the same sequence; the c. name uses the placement nearest the transcript's 3' end. VCF-style (leftmost placement, unchanged base first): chr1-151612299-ACGGCGGCGGGGGAGG-A. GRCh37 (hg19) VCF-style: chr1-151584775-ACGGCGGCGGGGGAGG-A.
Other names: c.106_120del, p.Gly36_Gly40del (NM_030918.6).
Identifiers: ClinVar variation 853884 (VCV000853884.7), dbSNP rs752177295, ClinGen allele CA1093346.